The following is an entry in ClinVar:

ClinVar aggregate classification (germline): Uncertain significance (1 of 4 stars; one submission).

Conditions:
Pancreatic adenocarcinoma. Identifiers: MedGen C0281361, MONDO:0006047, HP:0006725.

Submission:

Labcorp Genetics (formerly Invitae), Labcorp
Classification: Uncertain significance for Pancreatic adenocarcinoma. Last evaluated: 2024-08-08. Review status: criteria provided, single submitter. Criteria: Invitae Variant Classification Sherloc (09022015). Collection method: clinical testing. Allele origin: germline.
Comment: This sequence change replaces glycine, which is neutral and non-polar, with arginine, which is basic and polar, at codon 604 of the PALLD protein (p.Gly604Arg). This variant is not present in population databases (gnomAD no frequency). This variant has not been reported in the literature in individuals affected with PALLD-related conditions. An algorithm developed to predict the effect of missense changes on protein structure and function (PolyPhen-2) suggests that this variant is likely to be disruptive. In summary, the available evidence is currently insufficient to determine the role of this variant in disease. Therefore, it has been classified as a Variant of Uncertain Significance.

NM_001166108.2(PALLD):c.3322G>A (p.Gly1108Arg)

Genes: CBR4 (carbonyl reductase 4; minus strand), PALLD (palladin, cytoskeletal associated protein; plus strand). Cytogenetic location: 4q32.3.
Variant type: single nucleotide variant.
Coding change: c.3322G>A on transcript NM_001166108.2 (MANE Select); coding-DNA position 3322, G replaced by A.
Protein change: p.Gly1108Arg; replaces glycine 1108 with arginine.
Molecular consequence: missense variant.
Genome position (GRCh38, 1-based): chr4:168,925,042, G>A. VCF-style: chr4-168925042-G-A. GRCh37 (hg19) VCF-style: chr4-169846193-G-A.
Other names: c.2125G>A, p.Gly709Arg (NM_001166109.2); c.1810G>A, p.Gly604Arg (NM_001166110.2); c.1150G>A, p.Gly384Arg (NM_001367567.1, NM_001367569.1); c.1201G>A, p.Gly401Arg (NM_001367568.1, NM_001367570.1); c.3271G>A, p.Gly1091Arg (NM_016081.4); short protein forms G1108R, G1091R, G384R, G604R, G401R, G709R.
Identifiers: ClinVar variation 3669431 (VCV003669431.2).
Genomic context (GRCh38, chr4:168,925,042, plus strand): 5'-ATTCAGGGAGCCACAAAAGAAGATGCTGGGTGGTATACTGTGTCAGCCAAGAATGAAGCA[G>A]GGATTGTGTCCTGTACTGCCAGGCTGGACGTTTACAGTGAGTGCCACTTCATCTCATTTC-3'
Protein context (NP_001159580.1, residues 1098-1118): WYTVSAKNEA[Gly1108Arg]IVSCTARLDV